The following is an entry in ClinVar:

ClinVar aggregate classification (germline): Uncertain significance (1 of 4 stars; one submission).

Submission:

Labcorp Genetics (formerly Invitae), Labcorp
Classification: Uncertain significance. Last evaluated: 2022-10-25. Review status: criteria provided, single submitter. Criteria: Invitae Variant Classification Sherloc (09022015). Collection method: clinical testing. Allele origin: germline.
Comment: This variant, c.4837_4854del, results in the deletion of 6 amino acid(s) of the KAT6A protein (p.Gly1613_Met1618del), but otherwise preserves the integrity of the reading frame. This variant is not present in population databases (gnomAD no frequency). This variant has not been reported in the literature in individuals affected with KAT6A-related conditions. Experimental studies and prediction algorithms are not available or were not evaluated, and the functional significance of this variant is currently unknown. In summary, the available evidence is currently insufficient to determine the role of this variant in disease. Therefore, it has been classified as a Variant of Uncertain Significance.

NM_006766.5(KAT6A):c.4837_4854del (p.Gly1613_Met1618del)

Gene: KAT6A (lysine acetyltransferase 6A; minus strand). Cytogenetic location: 8p11.21.
Variant type: Deletion.
Coding change: c.4837_4854del on transcript NM_006766.5 (MANE Select); coding-DNA positions 4837 to 4854, 18 bases deleted (GGCAGCAGCTGCAGCATG).
Protein change: p.Gly1613_Met1618del.
Molecular consequence: inframe deletion.
Genome position (GRCh38, 1-based): chr8:41,933,366-41,933,383, CATGCTGCAGCTGCTGCC deleted on the plus strand (GGCAGCAGCTGCAGCATG on the coding strand, the reverse complement: KAT6A is on the minus strand); deleting any 18 consecutive bases within chr8:41,933,366-41,933,390 gives the same sequence; the c. name uses the placement nearest the transcript's 3' end. VCF-style (leftmost placement, unchanged base first): chr8-41933365-TCATGCTGCAGCTGCTGCC-T. GRCh37 (hg19) VCF-style: chr8-41790883-TCATGCTGCAGCTGCTGCC-T.
Identifiers: ClinVar variation 2028665 (VCV002028665.4), dbSNP rs1821666176, ClinGen allele CA2580078484.